The following is an entry in ClinVar:

ClinVar aggregate classification (germline): Benign (1 of 4 stars; one submission).

Allele frequency attached by ClinVar (database versions not stated): 1000 Genomes Project 0.86162; 1000 Genomes Project 30x 0.86430; gnomAD 0.89414 and 0.90227; TOPMed 0.90062.
gnomAD v4.1: 136,093 of 152,230 alleles (89%); highest among the groups gnomAD compares: African/African-American, 94%; 61,040 homozygotes.

Submission:

GeneDx
Classification: Benign. Last evaluated: 2018-06-19. Review status: criteria provided, single submitter. Criteria: GeneDx Variant Classification (06012015). Collection method: clinical testing. Allele origin: germline. Affected: yes.
Comment: This variant is considered likely benign or benign based on one or more of the following criteria: it is a conservative change, it occurs at a poorly conserved position in the protein, it is predicted to be benign by multiple in silico algorithms, and/or has population frequency not consistent with disease.

NM_003640.5(ELP1):c.2860+291T>A

Gene: ELP1 (elongator acetyltransferase complex subunit 1; minus strand). Cytogenetic location: 9q31.3.
Variant type: single nucleotide variant.
Coding change: c.2860+291T>A on transcript NM_003640.5 (MANE Select); 291 bases into the intron after coding-DNA position 2860, T replaced by A.
Molecular consequence: intron variant.
Genome position (GRCh38, 1-based): chr9:108,893,652, A>T on the plus strand (T>A on the coding strand, the complement: ELP1 is on the minus strand). VCF-style: chr9-108893652-A-T. GRCh37 (hg19) VCF-style: chr9-111655932-A-T.
Other names: c.2518+291T>A (NM_001318360.2); c.1813+291T>A (NM_001330749.2).
Identifiers: ClinVar variation 683637 (VCV000683637.1), dbSNP rs947196, ClinGen allele CA13017821.